The following is an entry in ClinVar:

NM_015386.3(COG4):c.1482-8dup

Gene: COG4 (component of oligomeric golgi complex 4; minus strand). Cytogenetic location: 16q22.1.
Variant type: Duplication.
Coding change: c.1482-8dup on transcript NM_015386.3 (MANE Select); 8 bases into the intron before coding-DNA position 1482, one base duplicated (C; older notation c.1482-8dupC).
Molecular consequence: intron variant.
Genome position (GRCh38, 1-based): chr16:70,496,434, G duplicated on the plus strand (C on the coding strand, the reverse complement: COG4 is on the minus strand); the first of 6 consecutive G bases (chr16:70,496,434-70,496,439); duplicating any one gives the same sequence. VCF-style (leftmost placement, unchanged base first): chr16-70496433-T-TG. GRCh37 (hg19) VCF-style: chr16-70530336-T-TG.
Other names: c.1470-8dup (NM_001195139.2); c.1056-8dup (NM_001365426.1); c.1482-3dupC (NM_015386.2).
Identifiers: ClinVar variation 420563 (VCV000420563.1), dbSNP rs755746795, ClinGen allele CA8144306.

ClinVar aggregate classification (germline): Likely benign (1 of 4 stars; one submission).

Submission:

GeneDx
Classification: Likely benign. Last evaluated: 2016-03-14. Review status: criteria provided, single submitter. Criteria: GeneDx Variant Classification (06012015). Collection method: clinical testing. Allele origin: germline. Affected: yes.
Comment: This variant is considered likely benign or benign based on one or more of the following criteria: it is a conservative change, it occurs at a poorly conserved position in the protein, it is predicted to be benign by multiple in silico algorithms, and/or has population frequency not consistent with disease.